The following is an entry in ClinVar:

ClinVar aggregate classification (germline): Uncertain significance. Review status: criteria provided, multiple submitters, no conflicts (2 of 4 stars). 2 submissions from 2 submitters: Uncertain significance (2). Last evaluated 2024-12-28.

Allele frequency attached by ClinVar (database versions not stated): gnomAD exomes below 0.00001.
gnomAD v4.1: 2 of 1,611,892 alleles (0.00012%); highest among the groups gnomAD compares: Non-Finnish European, 0.000085%; no homozygotes.

Submissions (2):

Ambry Genetics
Classification: Uncertain significance. Last evaluated: 2024-12-28. Review status: criteria provided, single submitter. Criteria: Ambry Variant Classification Scheme 2023. Collection method: clinical testing. Allele origin: germline.

Labcorp Genetics (formerly Invitae), Labcorp
Classification: Uncertain significance. Last evaluated: 2023-03-01. Review status: criteria provided, single submitter. Criteria: Invitae Variant Classification Sherloc (09022015). Collection method: clinical testing. Allele origin: germline.
Comment: In summary, the available evidence is currently insufficient to determine the role of this variant in disease. Therefore, it has been classified as a Variant of Uncertain Significance. An algorithm developed to predict the effect of missense changes on protein structure and function (PolyPhen-2) suggests that this variant is likely to be disruptive. This variant has not been reported in the literature in individuals affected with RELA-related conditions. This variant is not present in population databases (gnomAD no frequency). This sequence change replaces aspartic acid, which is acidic and polar, with asparagine, which is neutral and polar, at codon 277 of the RELA protein (p.Asp277Asn).

NM_021975.4(RELA):c.829G>A (p.Asp277Asn)

Gene: RELA (RELA proto-oncogene, NF-kB subunit; minus strand). Cytogenetic location: 11q13.1.
Variant type: single nucleotide variant.
Coding change: c.829G>A on transcript NM_021975.4 (MANE Select); coding-DNA position 829, G replaced by A.
Protein change: p.Asp277Asn; replaces aspartic acid 277 with asparagine.
Molecular consequence: missense variant. On other transcripts: intron variant (2).
Genome position (GRCh38, 1-based): chr11:65,658,335, C>T on the plus strand (G>A on the coding strand, the complement: RELA is on the minus strand). VCF-style: chr11-65658335-C-T. GRCh37 (hg19) VCF-style: chr11-65425806-C-T.
Other names: c.829G>A (NM_021975.3); c.820G>A, p.Asp274Asn (NM_001145138.2); c.829G>A, p.Asp277Asn (NM_001243984.2, NM_001243985.2); c.862G>A, p.Asp288Asn (NM_001404657.1); c.802G>A, p.Asp268Asn (NM_001404658.1); c.448G>A, p.Asp150Asn (NM_001404661.1); c.736G>A, p.Asp246Asn (NM_001404662.1, NM_001404663.1); c.559+1331G>A (NM_001404660.1); and 1 more; short protein forms D150N, D277N, D246N, D268N, D288N, D274N.
Identifiers: ClinVar variation 2808748 (VCV002808748.4), dbSNP rs2496845978, ClinGen allele CA381390714.